The following is an entry in ClinVar:

ClinVar aggregate classification (germline): Benign/Likely benign. Review status: criteria provided, multiple submitters, no conflicts (2 of 4 stars). 6 submissions from 6 submitters: Benign (1); Likely benign (5). Last evaluated 2026-05-14.

Conditions:
Hereditary cancer-predisposing syndrome. Also called: Neoplastic Syndromes, Hereditary; Hereditary Cancer Syndrome; Hereditary neoplastic syndrome; Tumor predisposition. Identifiers: Orphanet 140162, MedGen C0027672, MeSH D009386, MONDO:0015356.
Cardiovascular phenotype. Identifiers: MedGen CN230736.
Neurofibromatosis, type 1 (NF1). Also called: VON RECKLINGHAUSEN DISEASE; Peripheral type neurofibromatosis; NEUROFIBROMATOSIS, TYPE I, SOMATIC; Neurofibromatosis, type I. Identifiers: Orphanet 636, MedGen C0027831, MONDO:0018975, OMIM 162200. Disease mechanism: loss of function.

Allele frequency attached by ClinVar (database versions not stated): TOPMed 0.00001; ExAC 0.00002; gnomAD 0.00002; gnomAD exomes 0.00002 and 0.00003; ESP Exome Variant Server 0.00008.
gnomAD v4.1: 43 of 1,613,632 alleles (0.0027%); highest among the groups gnomAD compares: Non-Finnish European, 0.0035%; no homozygotes.

Submissions (6):

Myriad Genetics, Inc.
Classification: Benign for Neurofibromatosis, type 1. Last evaluated: 2026-05-14. Review status: criteria provided, single submitter. Criteria: Myriad Autosomal Dominant, Autosomal Recessive and X-Linked Classification Criteria (2023). Collection method: clinical testing. Allele origin: unknown.
Comment: This variant is considered benign. This variant is a silent/synonymous amino acid change and it is not expected to impact splicing.

Labcorp Genetics (formerly Invitae), Labcorp
Classification: Likely benign for Neurofibromatosis, type 1. Last evaluated: 2025-11-24. Review status: criteria provided, single submitter. Criteria: Invitae Variant Classification Sherloc (09022015). Collection method: clinical testing. Allele origin: germline.

Genome-Nilou Lab
Classification: Likely benign for Neurofibromatosis, type 1. Last evaluated: 2022-03-15. Review status: criteria provided, single submitter. Criteria: ACMG Guidelines, 2015. Collection method: clinical testing. Allele origin: germline. Affected: no.

Blueprint Genetics
Classification: Likely benign. Last evaluated: 2021-08-06. Review status: criteria provided, single submitter. Criteria: ACMG Guidelines, 2015. Collection method: clinical testing. Allele origin: germline.

GeneDx
Classification: Likely benign. Last evaluated: 2019-03-12. Review status: criteria provided, single submitter. Criteria: GeneDx Variant Classification Process June 2021. Collection method: clinical testing. Allele origin: germline. Affected: yes.

Ambry Genetics
Classification: Likely benign for Cardiovascular phenotype; Hereditary cancer-predisposing syndrome. Last evaluated: 2015-05-06. Review status: criteria provided, single submitter. Criteria: Ambry General Variant Classification Scheme_2022. Collection method: clinical testing. Allele origin: germline. Observed: 1 variant allele.

NM_001042492.3(NF1):c.105T>C (p.Ser35=)

Gene: NF1 (neurofibromin 1; plus strand). Cytogenetic location: 17q11.2.
Variant type: single nucleotide variant.
Coding change: c.105T>C on transcript NM_001042492.3 (MANE Select); coding-DNA position 105, T replaced by C.
Protein change: p.Ser35=; no amino-acid change (serine 35 retained).
Molecular consequence: synonymous variant.
Genome position (GRCh38, 1-based): chr17:31,156,027, T>C. VCF-style: chr17-31156027-T-C. GRCh37 (hg19) VCF-style: chr17-29483045-T-C.
Other names: c.105T>C, p.Ser35= (NM_000267.4, NM_001128147.3).
Identifiers: ClinVar variation 457513 (VCV000457513.18), dbSNP rs370026303, ClinGen allele CA8485479.
Genomic context (GRCh38, chr17:31,156,027, plus strand): 5'-TTTCTTTTTTTTTCAGCTTCCAATAAAAACAGGACAGCAGAACACACATACCAAAGTCAG[T>C]ACTGAGCACAACAAGGAATGTCTAATCAATATTTCCAAATACAAGTTTTCTTTGGTTATA-3'
Protein context (NP_001035957.1, residues 25-45): TGQQNTHTKV[Ser35=]TEHNKECLIN